The following is an entry in ClinVar:

ClinVar aggregate classification (germline): Uncertain significance (1 of 4 stars; one submission).

Conditions:
Immunodeficiency 14 (IMD14A). Also called: p110-DELTA-ACTIVATING MUTATION CAUSING SENESCENT T CELLS, LYMPHADENOPATHY, AND IMMUNODEFICIENCY; ACTIVATED PI3K-DELTA SYNDROME 1; Activated PI3K Delta Syndrome Type 1 (APDS1); IMMUNODEFICIENCY 14A WITH LYMPHOPROLIFERATION, AUTOSOMAL DOMINANT. Identifiers: Orphanet 397596, Orphanet 693661, MedGen C5907821, MONDO:0014222, OMIM 615513.

gnomAD v4.1: 1 of 1,612,384 alleles (0.000062%); highest among the groups gnomAD compares: Non-Finnish European, 0.000085%; no homozygotes.

Submission:

Labcorp Genetics (formerly Invitae), Labcorp
Classification: Uncertain significance for Activated PI3K-delta syndrome. Last evaluated: 2025-03-31. Review status: criteria provided, single submitter. Criteria: Invitae Variant Classification Sherloc (09022015). Collection method: clinical testing. Allele origin: germline.
Comment: This sequence change replaces alanine, which is neutral and non-polar, with valine, which is neutral and non-polar, at codon 470 of the PIK3CD protein (p.Ala470Val). This variant is not present in population databases (gnomAD no frequency). This variant has not been reported in the literature in individuals affected with PIK3CD-related conditions. Invitae Evidence Modeling of protein sequence and biophysical properties (such as structural, functional, and spatial information, amino acid conservation, physicochemical variation, residue mobility, and thermodynamic stability) indicates that this missense variant is not expected to disrupt PIK3CD protein function with a negative predictive value of 80%. In summary, the available evidence is currently insufficient to determine the role of this variant in disease. Therefore, it has been classified as a Variant of Uncertain Significance.

NM_005026.5(PIK3CD):c.1409C>T (p.Ala470Val)

Genes: PIK3CD (phosphatidylinositol-4,5-bisphosphate 3-kinase catalytic subunit delta; plus strand), LOC126805612 (MED14-independent group 3 enhancer GRCh37_chr1:9778914-9780113; plus strand). Cytogenetic location: 1p36.22.
Variant type: single nucleotide variant.
Coding change: c.1409C>T on transcript NM_005026.5 (MANE Select); coding-DNA position 1409, C replaced by T.
Protein change: p.Ala470Val; replaces alanine 470 with valine.
Molecular consequence: missense variant.
Genome position (GRCh38, 1-based): chr1:9,720,181, C>T. VCF-style: chr1-9720181-C-T. GRCh37 (hg19) VCF-style: chr1-9780239-C-T.
Other names: c.1409C>T, p.Ala470Val (NM_001350234.2, NM_001437546.1, NM_001437547.1 and 2 more transcripts); c.1322C>T, p.Ala441Val (NM_001350235.1); short protein forms A441V, A470V.
Identifiers: ClinVar variation 4743287 (VCV004743287.1).